The following is an entry in ClinVar:

ClinVar aggregate classification (germline): Conflicting classifications of pathogenicity. Review status: criteria provided, conflicting classifications (1 of 4 stars). 4 submissions from 4 submitters: Uncertain significance (1); Likely benign (3). Last evaluated 2025-10-21.

Conditions:
PSMB4-related disorder. Also called: PSMB4-related condition.

Allele frequency attached by ClinVar (database versions not stated): ExAC 0.00005; ESP Exome Variant Server 0.00008; gnomAD exomes 0.00008 and 0.00013; gnomAD 0.00009; TOPMed 0.00009.
gnomAD v4.1: 197 of 1,612,574 alleles (0.012%); highest among the groups gnomAD compares: Non-Finnish European, 0.016%; no homozygotes.

Submissions (4):

Labcorp Genetics (formerly Invitae), Labcorp
Classification: Uncertain significance. Last evaluated: 2025-10-21. Review status: criteria provided, single submitter. Criteria: Invitae Variant Classification Sherloc (09022015). Collection method: clinical testing. Allele origin: germline.
Comment: This sequence change affects codon 116 of the PSMB4 mRNA. It is a 'silent' change, meaning that it does not change the encoded amino acid sequence of the PSMB4 protein. It affects a nucleotide within the consensus splice site. This variant is present in population databases (rs145190029, gnomAD 0.02%). This variant has not been reported in the literature in individuals affected with PSMB4-related conditions. ClinVar contains an entry for this variant (Variation ID: 1358434). Algorithms developed to predict the effect of sequence changes on RNA splicing suggest that this variant is not likely to affect RNA splicing. In summary, the available evidence is currently insufficient to determine the role of this variant in disease. Therefore, it has been classified as a Variant of Uncertain Significance.

Ambry Genetics
Classification: Likely benign. Last evaluated: 2025-09-28. Review status: criteria provided, single submitter. Criteria: Ambry Variant Classification Scheme 2023. Collection method: clinical testing. Allele origin: germline.

PreventionGenetics, part of Exact Sciences
Classification: Likely benign for PSMB4-related condition. Last evaluated: 2025-08-24. Review status: criteria provided, single submitter. Criteria: ACMG Guidelines, 2015. Collection method: clinical testing. Allele origin: germline.
Comment: This variant is classified as likely benign based on ACMG/AMP sequence variant interpretation guidelines (Richards et al. 2015 PMID: 25741868, with internal and published modifications).

Mayo Clinic Laboratories, Mayo Clinic
Classification: Likely benign. Last evaluated: 2025-08-07. Review status: criteria provided, single submitter. Criteria: ACMG Guidelines, 2015. Collection method: clinical testing. Allele origin: germline. Observed: 1 variant allele.
Comment: BP4, BP7

NM_002796.3(PSMB4):c.348G>A (p.Val116=)

Gene: PSMB4 (proteasome 20S subunit beta 4; plus strand). Cytogenetic location: 1q21.3.
Variant type: single nucleotide variant.
Coding change: c.348G>A on transcript NM_002796.3 (MANE Select); coding-DNA position 348, G replaced by A.
Protein change: p.Val116=; no amino-acid change (valine 116 retained).
Molecular consequence: synonymous variant.
Genome position (GRCh38, 1-based): chr1:151,400,442, G>A. VCF-style: chr1-151400442-G-A. GRCh37 (hg19) VCF-style: chr1-151372918-G-A.
Other names: p.Val116=; c.348G>A (NM_002796.2).
Identifiers: ClinVar variation 1358434 (VCV001358434.9), dbSNP rs145190029, ClinGen allele CA1090644.